The following is an entry in ClinVar:

NM_000179.3(MSH6):c.2030G>A (p.Ser677Asn)

Gene: MSH6 (mutS homolog 6; plus strand). Cytogenetic location: 2p16.3.
Variant type: single nucleotide variant.
Coding change: c.2030G>A on transcript NM_000179.3 (MANE Select); coding-DNA position 2030, G replaced by A.
Protein change: p.Ser677Asn; replaces serine 677 with asparagine.
Molecular consequence: missense variant.
Genome position (GRCh38, 1-based): chr2:47,800,013, G>A. VCF-style: chr2-47800013-G-A. GRCh37 (hg19) VCF-style: chr2-48027152-G-A.
Other names: c.1640G>A, p.Ser547Asn (NM_001281492.2); c.1124G>A, p.Ser375Asn (NM_001281493.2, NM_001281494.2); short protein forms S677N, S547N, S375N.
Identifiers: ClinVar variation 483836 (VCV000483836.16), dbSNP rs587779224, ClinGen allele CA346750720.
Genomic context (GRCh38, chr2:47,800,013, plus strand): 5'-AGGTGCTTAAAGGTATGACTTCAGAGTCTGATTCCATTGGGTTGACACCAGGAGAGAAAA[G>A]TGAATTGGCCCTCTCTGCTCTAGGTGGTTGTGTCTTCTACCTCAAAAAATGCCTTATTGA-3'
Protein context (NP_000170.1, residues 667-687): DSIGLTPGEK[Ser677Asn]ELALSALGGC

ClinVar aggregate classification (germline): Uncertain significance. Review status: criteria provided, multiple submitters, no conflicts (2 of 4 stars). 2 submissions from 2 submitters: Uncertain significance (2). Last evaluated 2025-07-31.

Conditions:
Hereditary nonpolyposis colorectal neoplasms. Identifiers: MedGen C0009405, MeSH D003123.
Hereditary cancer-predisposing syndrome. Also called: Neoplastic Syndromes, Hereditary; Tumor predisposition; Hereditary Cancer Syndrome; Hereditary neoplastic syndrome. Identifiers: Orphanet 140162, MedGen C0027672, MeSH D009386, MONDO:0015356.

Submissions (2):

Labcorp Genetics (formerly Invitae), Labcorp
Classification: Uncertain significance for Hereditary nonpolyposis colorectal neoplasms. Last evaluated: 2025-07-31. Review status: criteria provided, single submitter. Criteria: Invitae Variant Classification Sherloc (09022015). Collection method: clinical testing. Allele origin: germline.
Comment: This sequence change replaces serine, which is neutral and polar, with asparagine, which is neutral and polar, at codon 677 of the MSH6 protein (p.Ser677Asn). This variant is not present in population databases (gnomAD no frequency). This variant has not been reported in the literature in individuals affected with MSH6-related conditions. ClinVar contains an entry for this variant (Variation ID: 483836). Invitae Evidence Modeling of protein sequence and biophysical properties (such as structural, functional, and spatial information, amino acid conservation, physicochemical variation, residue mobility, and thermodynamic stability) indicates that this missense variant is not expected to disrupt MSH6 protein function with a negative predictive value of 95%. In summary, the available evidence is currently insufficient to determine the role of this variant in disease. Therefore, it has been classified as a Variant of Uncertain Significance.

Ambry Genetics
Classification: Uncertain significance for Hereditary cancer-predisposing syndrome. Last evaluated: 2023-06-12. Review status: criteria provided, single submitter. Criteria: Ambry Variant Classification Scheme 2023. Collection method: clinical testing. Allele origin: germline.
Comment: The p.S677N variant (also known as c.2030G>A), located in coding exon 4 of the MSH6 gene, results from a G to A substitution at nucleotide position 2030. The serine at codon 677 is replaced by asparagine, an amino acid with highly similar properties. This amino acid position is highly conserved through mammals but not in all available vertebrate species. In addition, this alteration is predicted to be tolerated by in silico analysis. Since supporting evidence is limited at this time, the clinical significance of this alteration remains unclear.